The following is an entry in ClinVar:

ClinVar aggregate classification (germline): Uncertain significance. Review status: criteria provided, multiple submitters, no conflicts (2 of 4 stars). 5 submissions from 5 submitters: Uncertain significance (5). Last evaluated 2026-07-06.

Conditions:
Malignant hyperthermia, susceptibility to, 1 (MHS1). Also called: Anesthesia related hyperthermia; Malignant hyperpyrexia; Fulminating hyperpyrexia; Pharmacogenic myopathy; Malignant hyperthermia suceptibility 1; RYR1-Related Malignant Hyperthermia Susceptibility. Identifiers: Orphanet 423, MedGen C2930980, MONDO:0007783, OMIM 145600.
RYR1-related disorder. Also called: RYR1-related condition; RYR1-related disorders. Identifiers: MedGen CN239331.
Inborn genetic diseases. Identifiers: MedGen C0950123, MeSH D030342.

Allele frequency attached by ClinVar (database versions not stated): ExAC 0.00002; gnomAD 0.00004 and 0.00003; TOPMed 0.00005; gnomAD exomes 0.00001 and 0.00003.
gnomAD v4.1: 48 of 1,613,968 alleles (0.003%); highest among the groups gnomAD compares: Non-Finnish European, 0.0039%; no homozygotes.

Submissions (5):

Ambry Genetics
Classification: Uncertain significance for Inborn genetic diseases. Last evaluated: 2026-07-06. Review status: criteria provided, single submitter. Criteria: Ambry Variant Classification Scheme 2023. Collection method: clinical testing. Allele origin: germline.
Comment: The p.I3323V variant (also known as c.9967A>G), located in coding exon 66 of the RYR1 gene, results from an A to G substitution at nucleotide position 9967. The isoleucine at codon 3323 is replaced by valine, an amino acid with highly similar properties. This amino acid position is conserved. In addition, the in silico prediction for this alteration is inconclusive. Based on the available evidence, the clinical significance of this variant remains unclear.

Color Diagnostics, LLC DBA Color Health
Classification: Uncertain significance for Malignant hyperthermia, susceptibility to, 1. Last evaluated: 2024-05-07. Review status: criteria provided, single submitter. Criteria: ACMG Guidelines, 2015. Collection method: clinical testing. Allele origin: germline.
Comment: This missense variant replaces isoleucine with valine at codon 3323 of the RYR1 protein. Computational prediction suggests that this variant may not impact protein structure and function. To our knowledge, functional studies have not been reported for this variant. This variant has not been reported in individuals affected with RYR1-related disorders in the literature. This variant has been identified in 4/280392 chromosomes in the general population by the Genome Aggregation Database (gnomAD). The available evidence is insufficient to determine the role of this variant in disease conclusively. Therefore, this variant is classified as a Variant of Uncertain Significance.

Revvity Omics, Revvity
Classification: Uncertain significance. Last evaluated: 2023-01-11. Review status: criteria provided, single submitter. Criteria: ACMG Guidelines, 2015. Collection method: clinical testing. Allele origin: germline.

Labcorp Genetics (formerly Invitae), Labcorp
Classification: Uncertain significance for RYR1-related disorder. Last evaluated: 2022-02-24. Review status: criteria provided, single submitter. Criteria: Invitae Variant Classification Sherloc (09022015). Collection method: clinical testing. Allele origin: germline.
Comment: This sequence change replaces isoleucine, which is neutral and non-polar, with valine, which is neutral and non-polar, at codon 3323 of the RYR1 protein (p.Ile3323Val). This variant is present in population databases (rs762667282, gnomAD 0.003%). This variant has not been reported in the literature in individuals affected with RYR1-related conditions. ClinVar contains an entry for this variant (Variation ID: 1015402). Advanced modeling of protein sequence and biophysical properties (such as structural, functional, and spatial information, amino acid conservation, physicochemical variation, residue mobility, and thermodynamic stability) performed at Invitae indicates that this missense variant is not expected to disrupt RYR1 protein function. In summary, the available evidence is currently insufficient to determine the role of this variant in disease. Therefore, it has been classified as a Variant of Uncertain Significance.

GeneDx
Classification: Uncertain significance. Last evaluated: 2020-02-03. Review status: criteria provided, single submitter. Criteria: GeneDx Variant Classification Process June 2021. Collection method: clinical testing. Allele origin: germline. Affected: yes.
Comment: Not observed at a significant frequency in large population cohorts (Lek et al., 2016); In silico analysis supports that this missense variant does not alter protein structure/function; Has not been previously published as pathogenic or benign to our knowledge

NM_000540.3(RYR1):c.9967A>G (p.Ile3323Val)

Gene: RYR1 (ryanodine receptor 1; plus strand). Cytogenetic location: 19q13.2.
Variant type: single nucleotide variant.
Coding change: c.9967A>G on transcript NM_000540.3 (MANE Select); coding-DNA position 9967, A replaced by G.
Protein change: p.Ile3323Val; replaces isoleucine 3323 with valine.
Molecular consequence: missense variant.
Genome position (GRCh38, 1-based): chr19:38,517,640, A>G. VCF-style: chr19-38517640-A-G. GRCh37 (hg19) VCF-style: chr19-39008280-A-G.
Other names: c.9967A>G, p.Ile3323Val (NM_001042723.2); short protein forms I3323V.
Identifiers: ClinVar variation 1015402 (VCV001015402.11), dbSNP rs762667282, ClinGen allele CA074358.